The following is an entry in ClinVar:

ClinVar aggregate classification (germline): Pathogenic (1 of 4 stars; one submission).

Submission:

GeneDx
Classification: Pathogenic. Last evaluated: 2023-11-27. Review status: criteria provided, single submitter. Criteria: GeneDx Variant Classification Process June 2021. Collection method: clinical testing. Allele origin: germline. Affected: yes.
Comment: Identified in a patient with HVDAS in published literature (PMID: 35904121); Frameshift variant predicted to result in abnormal protein length as the last 226 amino acids are replaced with 35 different amino acids, and other similar variants have been reported in HGMD; Not observed in large population cohorts (gnomAD); This variant is associated with the following publications: (PMID: 35904121)

NM_001282531.3(ADNP):c.2630_2633del (p.Asp877fs)

Gene: ADNP (activity dependent neuroprotector homeobox; minus strand). Cytogenetic location: 20q13.13.
Variant type: Deletion.
Coding change: c.2630_2633del on transcript NM_001282531.3 (MANE Select); coding-DNA positions 2630 to 2633, 4 bases deleted (ACAG; older notation c.2630_2633delACAG).
Protein change: p.Asp877fs; shifts the reading frame from aspartic acid 877.
Molecular consequence: frameshift variant.
Genome position (GRCh38, 1-based): chr20:50,892,081-50,892,084, CTGT deleted on the plus strand (ACAG on the coding strand, the reverse complement: ADNP is on the minus strand); deleting any 4 consecutive bases within chr20:50,892,081-50,892,087 gives the same sequence; the c. name uses the placement nearest the transcript's 3' end. VCF-style (leftmost placement, unchanged base first): chr20-50892080-ACTGT-A. GRCh37 (hg19) VCF-style: chr20-49508617-ACTGT-A.
Other names: c.2630_2633del, p.Asp877fs (NM_001282532.2, NM_001347511.2, NM_015339.5 and 1 more transcripts); short protein forms D877fs.
Identifiers: ClinVar variation 1693315 (VCV001693315.3), dbSNP rs2122741062, ClinGen allele CA2580098302.